The following continues an entry in ClinVar:

NM_000138.5(FBN1):c.718C>T (p.Arg240Cys)

Gene: FBN1. ClinVar aggregate classification (germline): Pathogenic/Likely pathogenic. Pathogenic (14); Likely pathogenic (2).

Submissions 8 to 19 of 19:

Women's Health and Genetics/Laboratory Corporation of America, LabCorp
Classification: Pathogenic for Familial ectopia lentis. Last evaluated: 2022-10-03. Review status: criteria provided, single submitter. Criteria: LabCorp Variant Classification Summary - May 2015. Collection method: clinical testing. Allele origin: germline.
Comment: Variant summary: FBN1 c.718C>T (p.Arg240Cys) results in a non-conservative amino acid change in the encoded protein sequence. Five of five in-silico tools predict a damaging effect of the variant on protein function. The variant was absent in 251516 control chromosomes (gnomAD). c.718C>T has been reported in the literature in multiple individuals affected with Marfan syndrome, features of Marfan syndrome or isolated ectopia lentis (examples: Loeys_2001, Korkko_2002, Comeglio_2002, Ades_2004 and Aragon-Martin_2010). These data indicate that the variant is very likely to be associated with disease. Seven submitters have provided clinical-significance assessments for this variant to ClinVar after 2014 and all classified the variant as pathogenic/likely pathogenic. Based on the evidence outlined above, the variant was classified as pathogenic.

Victorian Clinical Genetics Services, Murdoch Childrens Research Institute
Classification: Pathogenic for Marfan syndrome. Last evaluated: 2022-02-02. Review status: criteria provided, single submitter. Criteria: ACMG Guidelines, 2015. Collection method: clinical testing. Allele origin: germline. Inheritance: Autosomal dominant inheritance. Affected: yes.
Comment: Based on the classification scheme VCGS_Germline_v1.3.4, this variant is classified as Pathogenic. Following criteria are met: 0103 - Dominant negative and loss of function are known mechanisms of disease in this gene and are associated with FBN1-related disease. Variants predicted to result in nonsense mediated decay cause loss of function effects, and are more commonly associated with severe Marfan syndrome (MIM#154700). Missense variants with both dominant negative and loss of function effects on protein function, are associated with Marfan syndrome and ectopia lentis (MIM#129600) (OMIM, PMID: 29357934). The exact genotype-phenotype correlation for this gene is still unclear, and is compounded by variable expressivity (PMID: 20301510). (I) 0107 - This gene is predominantly associated with autosomal dominant disease; autosomal recessive forms of Marfan syndrome have been reported infrequently (PMID: 27274304; 31950671). (I) 0115 - Variants in this gene are known to have variable expressivity. The genotype-phenotype correlations for this gene are unclear, with single variants reported in patients with a range of phenotypes (PMID: 20301510, OMIM). (I) 0200 - Variant is predicted to result in a missense amino acid change from arginine to cysteine. (I) 0251 - This variant is heterozygous. (I) 0301 - Variant is absent from gnomAD (both v2 and v3). (SP) 0309 - Two alternative amino acid changes at the same position has been observed in gnomAD (v3) (highest allele count: 3 heterozygotes, 0 homozygote). (I) 0501 - Missense variant consistently predicted to be damaging by multiple in silico tools or highly conserved with a major amino acid change. (SP) 0604 - Variant is not located in an established domain, motif, hotspot or informative constraint region. (I) 0801 - This variant has strong previous evidence of pathogenicity in unrelated individuals. This variant has been reported as pathogenic multiple times in ClinVar, and has also been reported in multiple patients with ectopia lentis and Marfan syndrome (PMID: 30838813, 34281902). (SP) 1208 - Inheritance information for this variant is not currently available in this individual. (I) Legend: (SP) - Supporting pathogenic, (I) - Information, (SB) - Supporting benign

Fulgent Genetics
Classification: Pathogenic for Acromicric dysplasia; Ectopia lentis 1, isolated, autosomal dominant; Marfan syndrome; Stiff skin syndrome; MASS syndrome; Weill-Marchesani syndrome 2, dominant; Geleophysic dysplasia 2; Progeroid and marfanoid aspect-lipodystrophy syndrome. Last evaluated: 2021-10-20. Review status: criteria provided, single submitter. Criteria: ACMG Guidelines, 2015. Collection method: clinical testing. Allele origin: unknown.

Institute of Human Genetics, University Medical Center Hamburg-Eppendorf
Classification: Likely pathogenic for Marfan syndrome. Last evaluated: 2018-11-20. Review status: criteria provided, single submitter. Criteria: ACMG Guidelines, 2015. Collection method: clinical testing. Allele origin: unknown. Inheritance: Autosomal dominant inheritance. Affected: yes.

CHEO Genetics Diagnostic Laboratory, Children's Hospital of Eastern Ontario
Classification: Pathogenic for Familial thoracic aortic aneurysm and aortic dissection. Last evaluated: 2018-04-10. Review status: criteria provided, single submitter. Criteria: ACMG Guidelines, 2015. Collection method: clinical testing. Allele origin: germline.

Center for Genomics, Ann and Robert H. Lurie Children's Hospital of Chicago
Classification: Pathogenic for Marfan syndrome. Last evaluated: 2017-08-01. Review status: criteria provided, single submitter. Criteria: ACMG Guidelines, 2015. Collection method: clinical testing. Allele origin: germline.
Comment: FBN1:NM_000138.4:exon7 p.Arg240Cys (c.718C>T): This variant has been reported in >5 individuals with Marfan syndrome, features of Marfan syndrome or isolated ectopia lentis (Loeys 2001 PMID11700157, Comeglio 2002 PMID 12446365, Korkko 2002 PMID11826022, Ades 2004 15054843, Vanita 2007 18079676, Stheneur 2009 PMID 19293843). This variant segregated with isolated ectopia lentis in >10 family members from 2 different families (Ades 2004 PMID 15054843, Vanita 2007 PMID 18079676). This variant is absent from large population studies and has been reported by multiple laboratories as pathogenic in ClinVar (Variant ID:16461). Evolutionary conservation and computational predictive tools suggest that this variant may impact the protein. Of note, this variant is predicted to affect a cysteine residue. Cysteine in the FBN1 gene is reported to have important functional relevance; variants that involve a cysteine residue are reported to be particularly significant (Dietz, PMID: 20301510). In summary, this variant is classified as pathogenic based on presence of affected individuals, segregation data, absence from controls, and predicted variant impact to the protein.

Laboratory for Molecular Medicine, Mass General Brigham Personalized Medicine
Classification: Pathogenic for Marfan syndrome. Last evaluated: 2008-06-30. Review status: criteria provided, single submitter. Criteria: LMM Criteria. Collection method: clinical testing. Allele origin: germline. Observed: 1 variant allele.

Juno Genomics, Hangzhou Juno Genomics, Inc
Classification: Pathogenic for Ectopia lentis 1, isolated, autosomal dominant. Review status: criteria provided, single submitter. Criteria: ACMG Guidelines, 2015. Collection method: clinical testing. Allele origin: germline. Affected: yes.
Comment: Absent from controls (or at extremely low frequency if recessive) in Genome Aggregation Database, Exome Sequencing Project, 1000 Genomes Project, or Exome Aggregation Consortium.;Multiple lines of computational evidence support a deleterious effect on the gene or gene product (conservation, evolutionary, splicing impact, etc).;Missense variant in a gene that has a low rate of benign missense variation and where missense variants are a common mechanism of disease.;The prevalence of the variant in affected individuals is significantly increased compared to the prevalence in controls.;Co-segregation with disease in multiple affected family members in a gene definitively known to cause the disease.;Patient's phenotype or family history is highly specific for a disease with a single genetic etiology.

Neuberg Centre For Genomic Medicine, NCGM
Classification: Pathogenic for Marfan syndrome. Review status: criteria provided, single submitter. Criteria: ACMG Guidelines, 2015. Collection method: clinical testing. Allele origin: germline. Inheritance: Autosomal dominant inheritance. Affected: yes.
Comment: The missense variant c.718C>Tp.Arg240Cys in FBN1 gene has been reported previously in heterozygous state in multiple individuals with Marfan syndrome and Chen Z, et al., 2022, Gong B, et al., 2019. The R240C variant introduces a cysteine residue within the TGF-binding protein domain 1 of the FBN1 gene, which may affect disulfide bonding and is predicted to alter the structure and function of the protein. Studies have shown that missense variants in the FBN1 gene that substitute or produce cysteine are associated with a higher risk for ectopia lentis than other missense variants Faivre L, et al., 2007. The variant is novel not in any individuals in gnomAD Exomes and 1000 Genomes. This variant has been reported to the ClinVar database as Pathogenic/Likely Pathogenic. The amino acid Arginine at position 240 is changed to a Cysteine changing protein sequence and it might alter its composition and physico-chemical properties. The variant is predicted to be damaging by SIFT. The amino acid change p.Arg240Cys in FBN1 is predicted as conserved by GERP++ and PhyloP across 100 vertebrates. For these reasons, this variant has been classified as Pathogenic.

Center for Medical Genetics Ghent, University of Ghent
Classification: Likely pathogenic for Marfan syndrome. Last evaluated: 2017-11-07. Review status: no assertion criteria provided. Collection method: clinical testing. Allele origin: de novo. Affected: yes. Not counted in ClinVar's aggregate classification.

OMIM
Classification: Pathogenic for MARFAN SYNDROME. Last evaluated: 2010-03-17. Review status: no assertion criteria provided. Collection method: literature only. Allele origin: germline. Not counted in ClinVar's aggregate classification.

OMIM
Classification: Pathogenic for ECTOPIA LENTIS 1, ISOLATED, AUTOSOMAL DOMINANT. Last evaluated: 2010-03-17. Review status: no assertion criteria provided. Collection method: literature only. Allele origin: germline. Not counted in ClinVar's aggregate classification.

Literature cited by the submitters: PubMed 11700157 (cited by 4 submitters); PubMed 11826022 (cited by 5 submitters); PubMed 15054843 (cited by 6 submitters); PubMed 17657824 (cited by Labcorp Genetics (formerly Invitae), Labcorp); PubMed 18079676 (cited by Labcorp Genetics (formerly Invitae), Labcorp and 3billion); PubMed 19293843 (cited by Labcorp Genetics (formerly Invitae), Labcorp and Ambry Genetics); PubMed 20564469 (cited by 3 submitters); PubMed 12446365 (cited by 4 submitters); PubMed 14695540 (cited by 3 submitters); PubMed 32679894 (cited by Ambry Genetics); PubMed 19059503 (cited by 3billion); PubMed 9399842 (cited by 3billion and Laboratory for Molecular Medicine, Mass General Brigham Personalized Medicine); PubMed 19353630 (cited by Women's Health and Genetics/Laboratory Corporation of America, LabCorp); PubMed 20301510 (cited by Victorian Clinical Genetics Services, Murdoch Childrens Research Institute); PubMed 27274304 (cited by Victorian Clinical Genetics Services, Murdoch Childrens Research Institute); PubMed 29357934 (cited by Victorian Clinical Genetics Services, Murdoch Childrens Research Institute); PubMed 30838813 (cited by Victorian Clinical Genetics Services, Murdoch Childrens Research Institute); PubMed 31950671 (cited by Victorian Clinical Genetics Services, Murdoch Childrens Research Institute); PubMed 34281902 (cited by Victorian Clinical Genetics Services, Murdoch Childrens Research Institute); PubMed 30675029 (cited by Institute of Human Genetics, University Medical Center Hamburg-Eppendorf); PubMed 7802039 (cited by OMIM); PubMed 20375004 (cited by OMIM); PubMed 17701892 (cited by OMIM).